The following is an entry in ClinVar:

NM_001366145.2(TRPM3):c.1097G>C (p.Gly366Ala)

Gene: TRPM3 (transient receptor potential cation channel subfamily M member 3; minus strand). Cytogenetic location: 9q21.12.
Variant type: single nucleotide variant.
Coding change: c.1097G>C on transcript NM_001366145.2 (MANE Select); coding-DNA position 1097, G replaced by C.
Protein change: p.Gly366Ala; replaces glycine 366 with alanine.
Molecular consequence: missense variant.
Genome position (GRCh38, 1-based): chr9:70,784,156, C>G on the plus strand (G>C on the coding strand, the complement: TRPM3 is on the minus strand). VCF-style: chr9-70784156-C-G. GRCh37 (hg19) VCF-style: chr9-73399072-C-G.
Other names: c.713G>C, p.Gly238Ala (NM_001007470.3, NM_206946.5, NM_206947.5); c.1097G>C, p.Gly366Ala (NM_001007471.4, NM_001366146.2, NM_001366149.2 and 3 more transcripts); c.1103G>C, p.Gly368Ala (NM_001366141.2, NM_001366142.2, NM_001366143.2 and 1 more transcripts); c.1172G>C, p.Gly391Ala (NM_001366147.2, NM_001366148.2, NM_001366152.2); c.638G>C, p.Gly213Ala (NM_001366154.2, NM_020952.6, NM_024971.7 and 3 more transcripts); short protein forms G213A, G238A, G366A, G368A, G391A.
Identifiers: ClinVar variation 2662826 (VCV002662826.1), dbSNP rs2538628305, ClinGen allele CA373556856.
Genomic context (GRCh38, chr9:70,784,156, plus strand): 5'-GTTACCTACCCGCCTTCTTCTGAGTATTTATGCCCAAAGGCCAGGATGTCCGATGCCCGT[C>G]CACTCCCATCACAGACAACCACTGGCACGGGAGGGGTGTCTCGAAGGTACTCCAAAACAA-3'
Protein context (NP_001353074.1, residues 356-376): PVPVVVCDGS[Gly366Ala]RASDILAFGH

ClinVar aggregate classification (germline): Uncertain significance (1 of 4 stars; one submission).

Submission:

GeneDx
Classification: Uncertain significance. Last evaluated: 2023-05-05. Review status: criteria provided, single submitter. Criteria: GeneDx Variant Classification Process June 2021. Collection method: clinical testing. Allele origin: germline. Affected: yes.
Comment: Not observed at significant frequency in large population cohorts (gnomAD); In silico analysis supports that this missense variant has a deleterious effect on protein structure/function; Has not been previously published as pathogenic or benign to our knowledge